The following is an entry in ClinVar:

NM_001270974.2(HYDIN):c.10860A>G (p.Gly3620=)

Gene: HYDIN (HYDIN axonemal central pair apparatus protein; minus strand). Cytogenetic location: 16q22.2.
Variant type: single nucleotide variant.
Coding change: c.10860A>G on transcript NM_001270974.2 (MANE Select); coding-DNA position 10860, A replaced by G.
Protein change: p.Gly3620=; no amino-acid change (glycine 3620 retained).
Molecular consequence: synonymous variant.
Genome position (GRCh38, 1-based): chr16:70,874,393, T>C on the plus strand (A>G on the coding strand, the complement: HYDIN is on the minus strand). VCF-style: chr16-70874393-T-C. GRCh37 (hg19) VCF-style: chr16-70908296-T-C.
Identifiers: ClinVar variation 3234330 (VCV003234330.20), dbSNP rs2507962560, ClinGen allele CA496405231.

ClinVar aggregate classification (germline): Likely benign (1 of 4 stars; one submission).

Submission:

CeGaT Center for Human Genetics Tuebingen
Classification: Likely benign. Last evaluated: 2024-03-01. Review status: criteria provided, single submitter. Criteria: CeGaT Center For Human Genetics Tuebingen Variant Classification Criteria Version 2. Collection method: clinical testing. Allele origin: germline. Affected: yes. Observed: 1 variant allele.
Comment: HYDIN: PM2:Supporting, BP4, BP7